The following is an entry in ClinVar:

ClinVar aggregate classification (germline): Uncertain significance (1 of 4 stars; one submission).

Conditions:
Long QT syndrome (LQTS). Identifiers: MedGen C0023976, MeSH D008133, MONDO:0002442. Disease mechanism: loss of function. Inheritance: Various modes of inheritance.

Submission:

Labcorp Genetics (formerly Invitae), Labcorp
Classification: Uncertain significance for Long QT syndrome. Last evaluated: 2025-08-13. Review status: criteria provided, single submitter. Criteria: Invitae Variant Classification Sherloc (09022015). Collection method: clinical testing. Allele origin: germline.
Comment: This variant, c.5613_5615del, results in the deletion of 1 amino acid(s) of the ANK2 protein (p.Ser1873del), but otherwise preserves the integrity of the reading frame. This variant is not present in population databases (gnomAD no frequency). This variant has not been reported in the literature in individuals affected with ANK2-related conditions. Experimental studies and prediction algorithms are not available or were not evaluated, and the functional significance of this variant is currently unknown. In summary, the available evidence is currently insufficient to determine the role of this variant in disease. Therefore, it has been classified as a Variant of Uncertain Significance.

NM_001148.6(ANK2):c.5610ATC[1] (p.Ser1873del)

Genes: ANK2 (ankyrin 2; plus strand), LOC126807136 (MED14-independent group 3 enhancer GRCh37_chr4:114274931-114276130; plus strand). Cytogenetic location: 4q26.
Variant type: Microsatellite.
Coding change: c.5610ATC[1] on transcript NM_001148.6 (MANE Select); one copy of the 3-base unit ATC starting at c.5610; the reference has two copies in a row; one copy, 3 bases deleted.
Protein change: p.Ser1873del; deletes serine 1873.
Molecular consequence: inframe deletion. On other transcripts: intron variant (68).
Genome position (GRCh38, 1-based): chr4:113,354,231-113,354,233, ATC deleted; deleting any 3 consecutive bases within chr4:113,354,226-113,354,233 gives the same sequence; the position shown is the placement nearest the transcript's 3' end. VCF-style (leftmost placement, unchanged base first): chr4-113354225-GTCA-G. GRCh37 (hg19) VCF-style: chr4-114275381-GTCA-G.
Other names: c.4192+3982_4192+3984del (NM_001386154.1, NM_001354274.2); c.4141+3982_4141+3984del (NM_001386151.1, NM_001354260.2, NM_001354271.2); c.4042+3982_4042+3984del (NM_001386157.1, NM_001354277.2); c.4360+3982_4360+3984del (NM_001386161.1, NM_001354244.2, NM_001354256.2); c.4285+3982_4285+3984del (NM_001354261.2); c.4165+3982_4165+3984del (NM_001386156.1, NM_001354257.2); c.4261+3982_4261+3984del (NM_001354264.2); c.4240+3982_4240+3984del (NM_001354267.2, NM_001386162.1, NM_001354249.2 and 2 more transcripts); and 35 more; short protein forms S673del, S1873del, S1795del, S1920del, S1912del.
Identifiers: ClinVar variation 2853536 (VCV002853536.3), dbSNP rs1410596670, ClinGen allele CA785561780.